The following is an entry in ClinVar:

NM_030662.4(MAP2K2):c.79G>A (p.Glu27Lys)

Genes: MAP2K2 (mitogen-activated protein kinase kinase 2; minus strand), LOC130063193 (ATAC-STARR-seq lymphoblastoid silent region 9881; plus strand). Cytogenetic location: 19p13.3.
Variant type: single nucleotide variant.
Coding change: c.79G>A on transcript NM_030662.4 (MANE Select); coding-DNA position 79, G replaced by A.
Protein change: p.Glu27Lys; replaces glutamic acid 27 with lysine.
Molecular consequence: missense variant.
Genome position (GRCh38, 1-based): chr19:4,123,797, C>T on the plus strand (G>A on the coding strand, the complement: MAP2K2 is on the minus strand). VCF-style: chr19-4123797-C-T. GRCh37 (hg19) VCF-style: chr19-4123794-C-T.
Other names: short protein forms E27K.
Identifiers: ClinVar variation 2051603 (VCV002051603.4), dbSNP rs1414051360, ClinGen allele CA403395939.

ClinVar aggregate classification (germline): Uncertain significance (1 of 4 stars; one submission).

Conditions:
RASopathy. Also called: Noonan spectrum disorder; rasopathies. Identifiers: Orphanet 536391, MedGen C5555857, MONDO:0021060.

Allele frequency attached by ClinVar (database versions not stated): gnomAD exomes 0.00001.
gnomAD v4.1: 14 of 1,561,472 alleles (0.0009%); highest among the groups gnomAD compares: Non-Finnish European, 0.0012%; no homozygotes.

Submission:

Labcorp Genetics (formerly Invitae), Labcorp
Classification: Uncertain significance for RASopathy. Last evaluated: 2021-12-29. Review status: criteria provided, single submitter. Criteria: Invitae Variant Classification Sherloc (09022015). Collection method: clinical testing. Allele origin: germline.
Comment: The frequency data for this variant in the population databases is considered unreliable, as metrics indicate poor data quality at this position in the gnomAD database. This sequence change replaces glutamic acid, which is acidic and polar, with lysine, which is basic and polar, at codon 27 of the MAP2K2 protein (p.Glu27Lys). In summary, the available evidence is currently insufficient to determine the role of this variant in disease. Therefore, it has been classified as a Variant of Uncertain Significance. Advanced modeling of protein sequence and biophysical properties (such as structural, functional, and spatial information, amino acid conservation, physicochemical variation, residue mobility, and thermodynamic stability) performed at Invitae indicates that this missense variant is not expected to disrupt MAP2K2 protein function. This variant has not been reported in the literature in individuals affected with MAP2K2-related conditions.